The following is an entry in ClinVar:

ClinVar aggregate classification (germline): Uncertain significance (1 of 4 stars; one submission).

Conditions:
Baller-Gerold syndrome (BGS). Also called: CRANIOSYNOSTOSIS WITH RADIAL DEFECTS. Identifiers: Orphanet 1225, MedGen C0265308, MONDO:0009039, OMIM 218600.

Allele frequency attached by ClinVar (database versions not stated): gnomAD exomes 0.00001.

Submission:

Labcorp Genetics (formerly Invitae), Labcorp
Classification: Uncertain significance for Baller-Gerold syndrome. Last evaluated: 2023-09-30. Review status: criteria provided, single submitter. Criteria: Invitae Variant Classification Sherloc (09022015). Collection method: clinical testing. Allele origin: germline.
Comment: In summary, the available evidence is currently insufficient to determine the role of this variant in disease. Therefore, it has been classified as a Variant of Uncertain Significance. Algorithms developed to predict the effect of sequence changes on RNA splicing suggest that this variant may create or strengthen a splice site. Advanced modeling of protein sequence and biophysical properties (such as structural, functional, and spatial information, amino acid conservation, physicochemical variation, residue mobility, and thermodynamic stability) performed at Invitae indicates that this missense variant is not expected to disrupt RECQL4 protein function. ClinVar contains an entry for this variant (Variation ID: 658555). This variant has not been reported in the literature in individuals affected with RECQL4-related conditions. This variant is present in population databases (no rsID available, gnomAD 0.006%). This sequence change replaces alanine, which is neutral and non-polar, with valine, which is neutral and non-polar, at codon 1076 of the RECQL4 protein (p.Ala1076Val).

NM_004260.4(RECQL4):c.3227C>T (p.Ala1076Val)

Gene: RECQL4 (RecQ like helicase 4; minus strand). Cytogenetic location: 8q24.3.
Variant type: single nucleotide variant.
Coding change: c.3227C>T on transcript NM_004260.4 (MANE Select); coding-DNA position 3227, C replaced by T.
Protein change: p.Ala1076Val; replaces alanine 1076 with valine.
Molecular consequence: missense variant.
Genome position (GRCh38, 1-based): chr8:144,512,153, G>A on the plus strand (C>T on the coding strand, the complement: RECQL4 is on the minus strand). VCF-style: chr8-144512153-G-A. GRCh37 (hg19) VCF-style: chr8-145737536-G-A.
Other names: short protein forms A1076V.
Identifiers: ClinVar variation 658555 (VCV000658555.4), dbSNP rs1489682094, ClinGen allele CA372669674.
Genomic context (GRCh38, chr8:144,512,153, plus strand): 5'-GATCACTGCGGGAGGGTGGATGGTCCCAGGCCCCGCCCGCCTCCTCCCAACCTGTGAAAG[G>A]CCTGGAAGGTTCTGCGCAGACGGGCCAGGGCCTGGCGCTCCCGGGCCTGCACACGGCCAT-3'
Protein context (NP_004251.4, residues 1066-1086): ALARLRRTFQ[Ala1076Val]FHSVAFPSCG